The following is an entry in ClinVar:

ClinVar aggregate classification (germline): Pathogenic (1 of 4 stars; one submission).

Conditions:
Hereditary cancer-predisposing syndrome. Also called: Neoplastic Syndromes, Hereditary; Tumor predisposition; Hereditary Cancer Syndrome; Hereditary neoplastic syndrome. Identifiers: Orphanet 140162, MedGen C0027672, MeSH D009386, MONDO:0015356.

Submission:

Ambry Genetics
Classification: Pathogenic for Hereditary cancer-predisposing syndrome. Last evaluated: 2020-01-22. Review status: criteria provided, single submitter. Criteria: Ambry Variant Classification Scheme 2023. Collection method: clinical testing. Allele origin: germline.
Comment: The c.833delG pathogenic mutation, located in coding exon 6 of the RAD50 gene, results from a deletion of one nucleotide at nucleotide position 833, causing a translational frameshift with a predicted alternate stop codon (p.R278Qfs*27). This alteration is expected to result in loss of function by premature protein truncation or nonsense-mediated mRNA decay. As such, this alteration is interpreted as a disease-causing mutation.

NM_005732.4(RAD50):c.833del (p.Arg278fs)

Gene: RAD50 (RAD50 double strand break repair protein; plus strand). Cytogenetic location: 5q31.1.
Variant type: Deletion.
Coding change: c.833del on transcript NM_005732.4 (MANE Select); coding-DNA position 833, one base deleted (G; older notation c.833delG).
Protein change: p.Arg278fs; shifts the reading frame from arginine 278.
Molecular consequence: frameshift variant.
Genome position (GRCh38, 1-based): chr5:132,587,638, G deleted. VCF-style (leftmost placement, unchanged base first): chr5-132587637-CG-C. GRCh37 (hg19) VCF-style: chr5-131923329-CG-C.
Other names: short protein forms R278fs.
Identifiers: ClinVar variation 1762988 (VCV001762988.2), dbSNP rs2479631781, ClinGen allele CA2580072663.